The following is an entry in ClinVar:

NM_001172560.3(SSTR5):c.69C>T (p.Gly23=)

Gene: SSTR5 (somatostatin receptor 5; plus strand). Cytogenetic location: 16p13.3.
Variant type: single nucleotide variant.
Coding change: c.69C>T on transcript NM_001172560.3 (MANE Select); coding-DNA position 69, C replaced by T.
Protein change: p.Gly23=; no amino-acid change (glycine 23 retained).
Molecular consequence: synonymous variant.
Genome position (GRCh38, 1-based): chr16:1,078,937, C>T. VCF-style: chr16-1078937-C-T. GRCh37 (hg19) VCF-style: chr16-1128937-C-T.
Other names: c.69C>T, p.Gly23= (NM_001053.4).
Identifiers: ClinVar variation 3052332 (VCV003052332.2), dbSNP rs373197738, ClinGen allele CA7798609.

ClinVar aggregate classification (germline): Likely benign (0 of 4 stars; one submission).

Conditions:
SSTR5-related disorder. Also called: SSTR5-related condition.

Allele frequency attached by ClinVar (database versions not stated): ExAC 0.00001; gnomAD exomes 0.00002; gnomAD 0.00010; TOPMed 0.00011; 1000 Genomes Project 30x 0.00016; ESP Exome Variant Server 0.00016; 1000 Genomes Project 0.00020.

Submission:

PreventionGenetics, part of Exact Sciences
Classification: Likely benign for SSTR5-related condition. Last evaluated: 2019-08-20. Review status: no assertion criteria provided. Collection method: clinical testing. Allele origin: germline.
Comment: This variant is classified as likely benign based on ACMG/AMP sequence variant interpretation guidelines (Richards et al. 2015 PMID: 25741868, with internal and published modifications).